The following is an entry in ClinVar:

ClinVar aggregate classification (germline): Uncertain significance (1 of 4 stars; one submission).

Conditions:
Cardiovascular phenotype. Identifiers: MedGen CN230736.

Submission:

Ambry Genetics
Classification: Uncertain significance for Cardiovascular phenotype. Last evaluated: 2024-06-30. Review status: criteria provided, single submitter. Criteria: Ambry Variant Classification Scheme 2023. Collection method: clinical testing. Allele origin: germline.
Comment: The p.P774L variant (also known as c.2321C>T), located in coding exon 1 of the ZNF469 gene, results from a C to T substitution at nucleotide position 2321. The proline at codon 774 is replaced by leucine, an amino acid with similar properties. This amino acid position is conserved. In addition, this alteration is predicted to be tolerated by in silico analysis. Based on the available evidence, the clinical significance of this variant remains unclear.

NM_001367624.2(ZNF469):c.2321C>T (p.Pro774Leu)

Gene: ZNF469 (zinc finger protein 469; plus strand). Cytogenetic location: 16q24.2.
Variant type: single nucleotide variant.
Coding change: c.2321C>T on transcript NM_001367624.2 (MANE Select); coding-DNA position 2321, C replaced by T.
Protein change: p.Pro774Leu; replaces proline 774 with leucine.
Molecular consequence: missense variant.
Genome position (GRCh38, 1-based): chr16:88,429,791, C>T. VCF-style: chr16-88429791-C-T. GRCh37 (hg19) VCF-style: chr16-88496199-C-T.
Other names: NM_001127464.1:c.2321C>T; short protein forms P774L.
Identifiers: ClinVar variation 3476153 (VCV003476153.1).